The following is an entry in ClinVar:

ClinVar aggregate classification (germline): Likely pathogenic. Review status: criteria provided, single submitter (1 of 4 stars). 2 submissions from 2 submitters: Likely pathogenic (1). 1 of the submissions does not count toward it. Last evaluated 2023-04-18.

Conditions:
DDX3X-related disorder. Also called: DDX3X-related condition.
Intellectual disability, X-linked 102 (MRXSSB). Also called: Intellectual developmental disorder, X-linked syndromic, Snijders Blok type. Identifiers: Orphanet 457260, MedGen C5393299, MONDO:0010497, OMIM 300958.

Submissions (2):

PreventionGenetics, part of Exact Sciences
Classification: Likely pathogenic for DDX3X-related condition. Last evaluated: 2023-04-18. Review status: criteria provided, single submitter. Criteria: ACMG Guidelines, 2015. Collection method: clinical testing. Allele origin: germline.
Comment: The DDX3X c.651_652delAA variant is predicted to result in a frameshift and premature protein termination (p.Asp219Leufs*75). To our knowledge, this variant has not been reported in the literature or in a large population database, indicating this variant is rare. Frameshift variants in DDX3X are expected to be pathogenic. This variant is interpreted as likely pathogenic.

Centre de Biologie Pathologie Génétique, Centre Hospitalier Universitaire de Lille
Classification: Pathogenic for Mental retardation, X-linked 102. Last evaluated: 2019-01-01. Review status: no assertion criteria provided. Collection method: clinical testing. Allele origin: de novo. Affected: yes. Not counted in ClinVar's aggregate classification.

NM_001356.5(DDX3X):c.651_652del (p.Asp219fs)

Gene: DDX3X (DEAD-box helicase 3 X-linked; plus strand). Cytogenetic location: Xp11.4.
Variant type: Deletion.
Coding change: c.651_652del on transcript NM_001356.5 (MANE Select); coding-DNA positions 651 to 652, 2 bases deleted (AA; older notation c.651_652delAA).
Protein change: p.Asp219fs; shifts the reading frame from aspartic acid 219.
Molecular consequence: frameshift variant. On other transcripts: non-coding transcript variant (1).
Genome position (GRCh38, 1-based): chrX:41,343,323-41,343,324, AA deleted; deleting any 2 consecutive bases within chrX:41,343,321-41,343,324 gives the same sequence; the c. name uses the placement nearest the transcript's 3' end. VCF-style (leftmost placement, unchanged base first): chrX-41343320-GAA-G. GRCh37 (hg19) VCF-style: chrX-41202573-GAA-G.
Other names: c.651_652del, p.Asp219fs (NM_001193416.3); c.603_604del, p.Asp203fs (NM_001193417.3); c.93_94del, p.Asp33fs (NM_001363819.1); c.651_652delAA (NM_001193416.2); short protein forms D203fs, D219fs, D33fs.
Identifiers: ClinVar variation 975673 (VCV000975673.2), dbSNP rs2063876393, ClinGen allele CA1139667458.
Genomic context (GRCh38, chrX:41,343,320, plus strand): 5'-GCTTACTCGTTATACTCGCCCAACTCCAGTGCAAAAGCATGCTATTCCTATTATCAAAGA[GAA>G]AAGAGACTTGATGGCTTGTGCCCAAACAGGTAAGCTCAACTCATAAGAGTAAAACATCAT-3'